The following is an entry in ClinVar:

ClinVar aggregate classification (germline): Uncertain significance. Review status: criteria provided, multiple submitters, no conflicts (2 of 4 stars). 2 submissions from 2 submitters: Uncertain significance (2). Last evaluated 2025-05-16.

Conditions:
Inborn genetic diseases. Identifiers: MedGen C0950123, MeSH D030342.

Allele frequency attached by ClinVar (database versions not stated): gnomAD exomes below 0.00001.
gnomAD v4.1: 2 of 1,613,816 alleles (0.00012%); highest among the groups gnomAD compares: Admixed American, 0.0033%; no homozygotes.

Submissions (2):

Ambry Genetics
Classification: Uncertain significance for Inborn genetic diseases. Last evaluated: 2025-05-16. Review status: criteria provided, single submitter. Criteria: Ambry Variant Classification Scheme 2023. Collection method: clinical testing. Allele origin: germline.

Labcorp Genetics (formerly Invitae), Labcorp
Classification: Uncertain significance. Last evaluated: 2022-07-20. Review status: criteria provided, single submitter. Criteria: Invitae Variant Classification Sherloc (09022015). Collection method: clinical testing. Allele origin: germline.
Comment: This sequence change replaces lysine, which is basic and polar, with glutamic acid, which is acidic and polar, at codon 466 of the PIGB protein (p.Lys466Glu). This variant is not present in population databases (gnomAD no frequency). This variant has not been reported in the literature in individuals affected with PIGB-related conditions. Algorithms developed to predict the effect of missense changes on protein structure and function (SIFT, PolyPhen-2, Align-GVGD) all suggest that this variant is likely to be tolerated. In summary, the available evidence is currently insufficient to determine the role of this variant in disease. Therefore, it has been classified as a Variant of Uncertain Significance.

NM_004855.5(PIGB):c.1396A>G (p.Lys466Glu)

Gene: PIGB (phosphatidylinositol glycan anchor biosynthesis class B; plus strand). Cytogenetic location: 15q21.3.
Variant type: single nucleotide variant.
Coding change: c.1396A>G on transcript NM_004855.5 (MANE Select); coding-DNA position 1396, A replaced by G.
Protein change: p.Lys466Glu; replaces lysine 466 with glutamic acid.
Molecular consequence: missense variant.
Genome position (GRCh38, 1-based): chr15:55,354,856, A>G. VCF-style: chr15-55354856-A-G. GRCh37 (hg19) VCF-style: chr15-55647054-A-G.
Other names: c.1396A>G (NM_004855.4); short protein forms K466E.
Identifiers: ClinVar variation 1943254 (VCV001943254.3), dbSNP rs1037960754, ClinGen allele CA270768437.